The following is an entry in ClinVar:

NM_020381.4(PDSS2):c.1097G>A (p.Arg366His)

Gene: PDSS2 (decaprenyl diphosphate synthase subunit 2; minus strand). Cytogenetic location: 6q21.
Variant type: single nucleotide variant.
Coding change: c.1097G>A on transcript NM_020381.4 (MANE Select); coding-DNA position 1097, G replaced by A.
Protein change: p.Arg366His; replaces arginine 366 with histidine.
Molecular consequence: missense variant.
Genome position (GRCh38, 1-based): chr6:107,154,722, C>T on the plus strand (G>A on the coding strand, the complement: PDSS2 is on the minus strand). VCF-style: chr6-107154722-C-T. GRCh37 (hg19) VCF-style: chr6-107475926-C-T.
Other names: c.1097G>A (NM_020381.3); short protein forms R366H.
Identifiers: ClinVar variation 1902428 (VCV001902428.8), dbSNP rs782590458, ClinGen allele CA3945905.

ClinVar aggregate classification (germline): Uncertain significance. Review status: criteria provided, multiple submitters, no conflicts (2 of 4 stars). 3 submissions from 3 submitters: Uncertain significance (3). Last evaluated 2025-05-15.

Conditions:
Inborn genetic diseases. Identifiers: MedGen C0950123, MeSH D030342.

Allele frequency attached by ClinVar (database versions not stated): ExAC 0.00001; gnomAD exomes 0.00002; TOPMed 0.00002; gnomAD 0.00003.
gnomAD v4.1: 36 of 1,613,972 alleles (0.0022%); highest among the groups gnomAD compares: East Asian, 0.0045%; no homozygotes.

Submissions (3):

GeneDx
Classification: Uncertain significance. Last evaluated: 2025-05-15. Review status: criteria provided, single submitter. Criteria: GeneDx Variant Classification Process June 2021. Collection method: clinical testing. Allele origin: germline. Affected: yes.
Comment: Not observed at significant frequency in large population cohorts (gnomAD); In silico analysis suggests that this missense variant does not alter protein structure/function; Has not been previously published as pathogenic or benign to our knowledge

Labcorp Genetics (formerly Invitae), Labcorp
Classification: Uncertain significance. Last evaluated: 2025-01-15. Review status: criteria provided, single submitter. Criteria: Invitae Variant Classification Sherloc (09022015). Collection method: clinical testing. Allele origin: germline.
Comment: This sequence change replaces arginine, which is basic and polar, with histidine, which is basic and polar, at codon 366 of the PDSS2 protein (p.Arg366His). This variant is present in population databases (rs782590458, gnomAD 0.005%). This variant has not been reported in the literature in individuals affected with PDSS2-related conditions. ClinVar contains an entry for this variant (Variation ID: 1902428). Invitae Evidence Modeling of protein sequence and biophysical properties (such as structural, functional, and spatial information, amino acid conservation, physicochemical variation, residue mobility, and thermodynamic stability) indicates that this missense variant is not expected to disrupt PDSS2 protein function with a negative predictive value of 80%. In summary, the available evidence is currently insufficient to determine the role of this variant in disease. Therefore, it has been classified as a Variant of Uncertain Significance.

Ambry Genetics
Classification: Uncertain significance for Inborn genetic diseases. Last evaluated: 2023-05-05. Review status: criteria provided, single submitter. Criteria: Ambry Variant Classification Scheme 2023. Collection method: clinical testing. Allele origin: germline.